The following is an entry in ClinVar:

ClinVar aggregate classification (germline): Uncertain significance (1 of 4 stars; one submission).

Conditions:
Hereditary hyperekplexia. Identifiers: Orphanet 3197, MedGen C4084968, MONDO:0021022.

Allele frequency attached by ClinVar (database versions not stated): gnomAD exomes below 0.00001.
gnomAD v4.1: 2 of 1,611,698 alleles (0.00012%); highest among the groups gnomAD compares: Non-Finnish European, 0.00017%; no homozygotes.

Submission:

Labcorp Genetics (formerly Invitae), Labcorp
Classification: Uncertain significance for Hereditary hyperekplexia. Last evaluated: 2020-01-24. Review status: criteria provided, single submitter. Criteria: Invitae Variant Classification Sherloc (09022015). Collection method: clinical testing. Allele origin: germline.
Comment: In summary, the available evidence is currently insufficient to determine the role of this variant in disease. Therefore, it has been classified as a Variant of Uncertain Significance. Algorithms developed to predict the effect of missense changes on protein structure and function are either unavailable or do not agree on the potential impact of this missense change (SIFT: "Deleterious"; PolyPhen-2: "Possibly Damaging"; Align-GVGD: "Class C0"). This variant has not been reported in the literature in individuals with GLRA1-related conditions. This variant is not present in population databases (ExAC no frequency). This sequence change replaces isoleucine with threonine at codon 79 of the GLRA1 protein (p.Ile79Thr). The isoleucine residue is highly conserved and there is a moderate physicochemical difference between isoleucine and threonine.

NM_000171.4(GLRA1):c.236T>C (p.Ile79Thr)

Gene: GLRA1 (glycine receptor alpha 1; minus strand). Cytogenetic location: 5q33.1.
Variant type: single nucleotide variant.
Coding change: c.236T>C on transcript NM_000171.4 (MANE Select); coding-DNA position 236, T replaced by C.
Protein change: p.Ile79Thr; replaces isoleucine 79 with threonine.
Molecular consequence: missense variant. On other transcripts: 5 prime UTR variant (1).
Genome position (GRCh38, 1-based): chr5:151,886,737, A>G on the plus strand (T>C on the coding strand, the complement: GLRA1 is on the minus strand). VCF-style: chr5-151886737-A-G. GRCh37 (hg19) VCF-style: chr5-151266298-A-G.
Other names: c.236T>C, p.Ile79Thr (NM_001146040.2); c.-14T>C (NM_001292000.2); short protein forms I79T.
Identifiers: ClinVar variation 464185 (VCV000464185.10), dbSNP rs1554085896, ClinGen allele CA361846421.
Genomic context (GRCh38, chr5:151,886,737, plus strand): 5'-ATATCTCCAGCAGGAACTAACAGCTTGTGTTTTGACTTACTCACCATGGTTGTCTCAGCA[A>G]TGGAACCAAAGCTGTTGATGAAAATGTTGCAGCTCACGTTCACTGGGGGACCTGCCAATC-3'
Protein context (NP_000162.2, residues 69-89): CNIFINSFGS[Ile79Thr]AETTMDYRVN